The following is an entry in ClinVar:

ClinVar aggregate classification (germline): Benign/Likely benign. Review status: criteria provided, multiple submitters, no conflicts (2 of 4 stars). 4 submissions from 4 submitters: Benign (2); Likely benign (2). Last evaluated 2025-09-21.

Conditions:
Cardiovascular phenotype. Identifiers: MedGen CN230736.

Allele frequency attached by ClinVar (database versions not stated): ESP Exome Variant Server 0.00015; TOPMed 0.00015; 1000 Genomes Project 30x 0.00047; gnomAD exomes 0.00056 and 0.00095; 1000 Genomes Project 0.00060; gnomAD 0.00071 and 0.00072; ExAC 0.00110.

Submissions (4):

Labcorp Genetics (formerly Invitae), Labcorp
Classification: Benign. Last evaluated: 2025-09-21. Review status: criteria provided, single submitter. Criteria: Invitae Variant Classification Sherloc (09022015). Collection method: clinical testing. Allele origin: germline.

Blueprint Genetics
Classification: Likely benign. Last evaluated: 2024-09-12. Review status: criteria provided, single submitter. Criteria: ACMG Guidelines, 2015. Collection method: clinical testing. Allele origin: germline.

Ambry Genetics
Classification: Likely benign for Cardiovascular phenotype. Last evaluated: 2022-10-27. Review status: criteria provided, single submitter. Criteria: Ambry Variant Classification Scheme 2023. Collection method: clinical testing. Allele origin: germline.

Women's Health and Genetics/Laboratory Corporation of America, LabCorp
Classification: Benign. Last evaluated: 2017-07-17. Review status: criteria provided, single submitter. Criteria: LabCorp Variant Classification Summary - May 2015. Collection method: clinical testing. Allele origin: germline.
Comment: Variant summary: The APOA5 c.962A>T (p.His321Leu) variant involves the alteration of a conserved nucleotide. 2/2 in silico tools predict damaging outcome for this variant (Mutation Taster and SNPs&GO not captured due to low reliability index). This variant was found in 133/121198 control chromosomes (1 homozygote) from ExAC at a frequency of 0.0010974, which is approximately 55 times the estimated maximal expected allele frequency of a pathogenic APOA5 variant (0.00002), suggesting this variant is likely a benign polymorphism. Taken together, this variant is classified as benign.

Literature cited by the submitters: PubMed 18635818 (cited by Ambry Genetics); PubMed 25487149 (cited by Ambry Genetics).

NM_001371904.1(APOA5):c.962A>T (p.His321Leu)

Gene: APOA5 (apolipoprotein A5; minus strand). Cytogenetic location: 11q23.3.
Variant type: single nucleotide variant.
Coding change: c.962A>T on transcript NM_001371904.1 (MANE Select); coding-DNA position 962, A replaced by T.
Protein change: p.His321Leu; replaces histidine 321 with leucine.
Molecular consequence: missense variant.
Genome position (GRCh38, 1-based): chr11:116,790,267, T>A on the plus strand (A>T on the coding strand, the complement: APOA5 is on the minus strand). VCF-style: chr11-116790267-T-A. GRCh37 (hg19) VCF-style: chr11-116660983-T-A.
Other names: c.962A>T, p.His321Leu (NM_001166598.2, NM_052968.5); short protein forms H321L.
Identifiers: ClinVar variation 496500 (VCV000496500.6), dbSNP rs201201147, ClinGen allele CA6288954.
Genomic context (GRCh38, chr11:116,790,267, plus strand): 5'-TGCAGCTTGCTCAGAACCTTGCCACTGTCTGTTTGTTGAAACTCTGGGGCGAAGGCACTG[T>A]GGCCTGGTGGAGGTGGCGCCAGCTGCTGCTGGACCTCCTCAGTCTCCTGGTCGATGGCGC-3'
Protein context (NP_001358833.1, residues 311-331): QQQLAPPPPG[His321Leu]SAFAPEFQQT